The following is an entry in ClinVar:

ClinVar aggregate classification (germline): Uncertain significance (1 of 4 stars; one submission).

Submission:

Labcorp Genetics (formerly Invitae), Labcorp
Classification: Uncertain significance. Last evaluated: 2023-05-19. Review status: criteria provided, single submitter. Criteria: Invitae Variant Classification Sherloc (09022015). Collection method: clinical testing. Allele origin: germline.
Comment: This variant is not present in population databases (gnomAD no frequency). This sequence change replaces aspartic acid, which is acidic and polar, with valine, which is neutral and non-polar, at codon 174 of the ADGRA3 protein (p.Asp174Val). In summary, the available evidence is currently insufficient to determine the role of this variant in disease. Therefore, it has been classified as a Variant of Uncertain Significance. An algorithm developed to predict the effect of missense changes on protein structure and function (PolyPhen-2) suggests that this variant is likely to be tolerated. This variant has not been reported in the literature in individuals affected with ADGRA3-related conditions.

NM_145290.4(ADGRA3):c.521A>T (p.Asp174Val)

Gene: ADGRA3 (adhesion G protein-coupled receptor A3; minus strand). Cytogenetic location: 4p15.2.
Variant type: single nucleotide variant.
Coding change: c.521A>T on transcript NM_145290.4 (MANE Select); coding-DNA position 521, A replaced by T.
Protein change: p.Asp174Val; replaces aspartic acid 174 with valine.
Molecular consequence: missense variant.
Genome position (GRCh38, 1-based): chr4:22,447,464, T>A on the plus strand (A>T on the coding strand, the complement: ADGRA3 is on the minus strand). VCF-style: chr4-22447464-T-A. GRCh37 (hg19) VCF-style: chr4-22449087-T-A.
Other names: short protein forms D174V.
Identifiers: ClinVar variation 2799481 (VCV002799481.3), dbSNP rs2474806008, ClinGen allele CA356478858.